The following is an entry in ClinVar:

ClinVar aggregate classification (germline): Uncertain significance (1 of 4 stars; one submission).

Conditions:
Epilepsy, familial focal, with variable foci 3 (FFEVF3). Identifiers: MedGen C4310708, MONDO:0014925, OMIM 617118.

Submission:

Labcorp Genetics (formerly Invitae), Labcorp
Classification: Uncertain significance for Epilepsy, familial focal, with variable foci 3. Last evaluated: 2023-07-10. Review status: criteria provided, single submitter. Criteria: Invitae Variant Classification Sherloc (09022015). Collection method: clinical testing. Allele origin: germline.
Comment: ClinVar contains an entry for this variant (Variation ID: 1465514). Experimental studies and prediction algorithms are not available or were not evaluated, and the functional significance of this variant is currently unknown. In summary, the available evidence is currently insufficient to determine the role of this variant in disease. Therefore, it has been classified as a Variant of Uncertain Significance. This variant, c.1618_1629del, results in the deletion of 4 amino acid(s) of the NPRL3 protein (p.Leu540_Leu543del), but otherwise preserves the integrity of the reading frame. This variant is not present in population databases (gnomAD no frequency). This variant has not been reported in the literature in individuals affected with NPRL3-related conditions.

NM_001077350.3(NPRL3):c.1618_1629del (p.Leu540_Leu543del)

Gene: NPRL3 (NPR3 like, GATOR1 complex subunit; minus strand). Cytogenetic location: 16p13.3.
Variant type: Deletion.
Coding change: c.1618_1629del on transcript NM_001077350.3 (MANE Select); coding-DNA positions 1618 to 1629, 12 bases deleted (CTGCTCATGCTG).
Protein change: p.Leu540_Leu543del.
Molecular consequence: inframe deletion.
Genome position (GRCh38, 1-based): chr16:86,786-86,797, CAGCATGAGCAG deleted on the plus strand (CTGCTCATGCTG on the coding strand, the reverse complement: NPRL3 is on the minus strand); deleting any 12 consecutive bases within chr16:86,786-86,798 gives the same sequence; the c. name uses the placement nearest the transcript's 3' end. VCF-style (leftmost placement, unchanged base first): chr16-86785-ACAGCATGAGCAG-A. GRCh37 (hg19) VCF-style: chr16-136784-ACAGCATGAGCAG-A.
Other names: c.1081_1092del, p.Leu361_Leu364del (NM_001039476.3); c.1384_1395del, p.Leu462_Leu465del (NM_001243247.2); c.1543_1554del, p.Leu515_Leu518del (NM_001243248.2, NM_001243249.2).
Identifiers: ClinVar variation 1465514 (VCV001465514.8), dbSNP rs2141894817, ClinGen allele CA2573151920.
Genomic context (GRCh38, chr16:86,785, plus strand): 5'-AGACGGCAATGACAGGGTCCTCGTGGGTGGTCACCACCAGCACGCTGCGGAACTTGTCAA[ACAGCATGAGCAG>A]CTGGGAGCGCCGCGTGTTCTCGTTGTACATAATCTCCTCCAGGTGGTGGCGGCCGCGGAA-3'